The following is an entry in ClinVar:

ClinVar aggregate classification (germline): Uncertain significance (1 of 4 stars; one submission).

Conditions:
Charcot-Marie-Tooth disease dominant intermediate E. Also called: CHARCOT-MARIE-TOOTH NEUROPATHY WITH FOCAL SEGMENTAL GLOMERULONEPHRITIS. Identifiers: Orphanet 93114, MedGen C4302667, MONDO:0013758, OMIM 614455.
Focal segmental glomerulosclerosis 5 (FSGS5). Identifiers: Orphanet 656, MedGen C2750475, MONDO:0013191, OMIM 613237.

Allele frequency attached by ClinVar (database versions not stated): gnomAD exomes below 0.00001.
gnomAD v4.1: 1 of 1,612,662 alleles (0.000062%); highest among the groups gnomAD compares: Non-Finnish European, 0.000085%; no homozygotes.

Submission:

Labcorp Genetics (formerly Invitae), Labcorp
Classification: Uncertain significance for Charcot-Marie-Tooth disease dominant intermediate E; Focal segmental glomerulosclerosis 5. Last evaluated: 2023-04-26. Review status: criteria provided, single submitter. Criteria: Invitae Variant Classification Sherloc (09022015). Collection method: clinical testing. Allele origin: germline.
Comment: In summary, the available evidence is currently insufficient to determine the role of this variant in disease. Therefore, it has been classified as a Variant of Uncertain Significance. Advanced modeling of protein sequence and biophysical properties (such as structural, functional, and spatial information, amino acid conservation, physicochemical variation, residue mobility, and thermodynamic stability) performed at Invitae indicates that this missense variant is not expected to disrupt INF2 protein function. This variant has not been reported in the literature in individuals affected with INF2-related conditions. This variant is not present in population databases (gnomAD no frequency). This sequence change replaces lysine, which is basic and polar, with glutamine, which is neutral and polar, at codon 845 of the INF2 protein (p.Lys845Gln).

NM_022489.4(INF2):c.2533A>C (p.Lys845Gln)

Gene: INF2 (inverted formin 2; plus strand). Cytogenetic location: 14q32.33.
Variant type: single nucleotide variant.
Coding change: c.2533A>C on transcript NM_022489.4 (MANE Select); coding-DNA position 2533, A replaced by C.
Protein change: p.Lys845Gln; replaces lysine 845 with glutamine.
Molecular consequence: missense variant.
Genome position (GRCh38, 1-based): chr14:104,712,476, A>C. VCF-style: chr14-104712476-A-C. GRCh37 (hg19) VCF-style: chr14-105178813-A-C.
Other names: c.2533A>C, p.Lys845Gln (NM_001031714.4, NM_001426862.1, NM_001426863.1 and 2 more transcripts); short protein forms K845Q.
Identifiers: ClinVar variation 2922585 (VCV002922585.3), dbSNP rs2541943297, ClinGen allele CA391221763.